The following is an entry in ClinVar:

ClinVar aggregate classification (germline): Uncertain significance. Review status: criteria provided, multiple submitters, no conflicts (2 of 4 stars). 2 submissions from 2 submitters: Uncertain significance (2). Last evaluated 2024-03-07.

Conditions:
Aortic aneurysm, familial thoracic 6 (AAT6). Also called: FAMILIAL THORACIC AORTIC ANEURYSM WITH LIVEDO RETICULARIS AND IRIS FLOCCULI. Identifiers: MedGen C2673186, MONDO:0012730, OMIM 611788.
Familial thoracic aortic aneurysm and aortic dissection (TAAD). Also called: Thoracic aortic aneurysms and dissections. Identifiers: Orphanet 91387, MedGen C4707243, MONDO:0019625.

Allele frequency attached by ClinVar (database versions not stated): TOPMed below 0.00001; gnomAD 0.00001.
gnomAD v4.1: 1 of 1,613,910 alleles (0.000062%); highest among the groups gnomAD compares: Non-Finnish European, 0.000085%; no homozygotes.

Submissions (2):

Color Diagnostics, LLC DBA Color Health
Classification: Uncertain significance for Familial thoracic aortic aneurysm and aortic dissection. Last evaluated: 2024-03-07. Review status: criteria provided, single submitter. Criteria: ACMG Guidelines, 2015. Collection method: clinical testing. Allele origin: germline.
Comment: This missense variant replaces proline with serine at codon 104 of the ACTA2 protein. Computational prediction suggests that this variant may have deleterious impact on protein structure and function (internally defined REVEL score threshold >= 0.7, PMID: 27666373). To our knowledge, functional studies have not been reported for this variant. This variant has not been reported in individuals affected with cardiovascular disorders in the literature. This variant has not been identified in the general population by the Genome Aggregation Database (gnomAD). The available evidence is insufficient to determine the role of this variant in disease conclusively. Therefore, this variant is classified as a Variant of Uncertain Significance.

Labcorp Genetics (formerly Invitae), Labcorp
Classification: Uncertain significance for Aortic aneurysm, familial thoracic 6. Last evaluated: 2023-05-02. Review status: criteria provided, single submitter. Criteria: Invitae Variant Classification Sherloc (09022015). Collection method: clinical testing. Allele origin: germline.
Comment: This sequence change replaces proline, which is neutral and non-polar, with serine, which is neutral and polar, at codon 104 of the ACTA2 protein (p.Pro104Ser). This variant is not present in population databases (gnomAD no frequency). In summary, the available evidence is currently insufficient to determine the role of this variant in disease. Therefore, it has been classified as a Variant of Uncertain Significance. Advanced modeling of protein sequence and biophysical properties (such as structural, functional, and spatial information, amino acid conservation, physicochemical variation, residue mobility, and thermodynamic stability) performed at Invitae indicates that this missense variant is not expected to disrupt ACTA2 protein function. ClinVar contains an entry for this variant (Variation ID: 1332252). This variant has not been reported in the literature in individuals affected with ACTA2-related conditions.

NM_001613.4(ACTA2):c.310C>T (p.Pro104Ser)

Gene: ACTA2 (actin alpha 2, smooth muscle; minus strand). Cytogenetic location: 10q23.31.
Variant type: single nucleotide variant.
Coding change: c.310C>T on transcript NM_001613.4 (MANE Select); coding-DNA position 310, C replaced by T.
Protein change: p.Pro104Ser; replaces proline 104 with serine.
Molecular consequence: missense variant.
Genome position (GRCh38, 1-based): chr10:88,943,856, G>A on the plus strand (C>T on the coding strand, the complement: ACTA2 is on the minus strand). VCF-style: chr10-88943856-G-A. GRCh37 (hg19) VCF-style: chr10-90703613-G-A.
Other names: c.310C>T, p.Pro104Ser (NM_001141945.3, NM_001320855.2, NM_001406462.1 and 3 more transcripts); c.181C>T, p.Pro61Ser (NM_001406467.1, NM_001406468.1, NM_001406469.1); short protein forms P104S, P61S.
Identifiers: ClinVar variation 1332252 (VCV001332252.8), dbSNP rs1156640249, ClinGen allele CA377512898.
Genomic context (GRCh38, chr10:88,943,856, plus strand): 5'-CTTGAGTCATTTTCTCCCGGTTGGCCTTGGGGTTCAGGGGTGCCTCCGTGAGCAGGGTGG[G>A]ATGCTCTTCAGGGGCAACACGAAGCTCATTGTAGAAAGAGTGGTGCCAGATCTAGTGAGT-3'
Protein context (NP_001604.1, residues 94-114): NELRVAPEEH[Pro104Ser]TLLTEAPLNP